The following is an entry in ClinVar:

ClinVar aggregate classification (germline): Uncertain significance (1 of 4 stars; one submission).

Conditions:
Mowat-Wilson syndrome (MOWS). Also called: Classic Mowat-Wilson Syndrome. Identifiers: Orphanet 2152, MedGen C1856113, MONDO:0009341, OMIM 235730.

Submission:

Labcorp Genetics (formerly Invitae), Labcorp
Classification: Uncertain significance for Mowat-Wilson syndrome. Last evaluated: 2022-04-13. Review status: criteria provided, single submitter. Criteria: Invitae Variant Classification Sherloc (09022015). Collection method: clinical testing. Allele origin: germline.
Comment: In summary, the available evidence is currently insufficient to determine the role of this variant in disease. Therefore, it has been classified as a Variant of Uncertain Significance. Algorithms developed to predict the effect of missense changes on protein structure and function are either unavailable or do not agree on the potential impact of this missense change (SIFT: "Deleterious"; PolyPhen-2: "Benign"; Align-GVGD: "Class C55"). This variant has not been reported in the literature in individuals affected with ZEB2-related conditions. This variant is not present in population databases (gnomAD no frequency). This sequence change replaces glycine, which is neutral and non-polar, with serine, which is neutral and polar, at codon 1068 of the ZEB2 protein (p.Gly1068Ser).

NM_014795.4(ZEB2):c.3202G>A (p.Gly1068Ser)

Gene: ZEB2 (zinc finger E-box binding homeobox 2; minus strand). Cytogenetic location: 2q22.3.
Variant type: single nucleotide variant.
Coding change: c.3202G>A on transcript NM_014795.4 (MANE Select); coding-DNA position 3202, G replaced by A.
Protein change: p.Gly1068Ser; replaces glycine 1068 with serine.
Molecular consequence: missense variant.
Genome position (GRCh38, 1-based): chr2:144,389,894, C>T on the plus strand (G>A on the coding strand, the complement: ZEB2 is on the minus strand). VCF-style: chr2-144389894-C-T. GRCh37 (hg19) VCF-style: chr2-145147461-C-T.
Other names: c.3130G>A, p.Gly1044Ser (NM_001171653.2); short protein forms G1044S, G1068S.
Identifiers: ClinVar variation 1382480 (VCV001382480.6), dbSNP rs2149872641, ClinGen allele CA348700376.